The following is an entry in ClinVar:

ClinVar aggregate classification (germline): Uncertain significance (1 of 4 stars; one submission).

Conditions:
RASopathy. Also called: rasopathies; Noonan spectrum disorder. Identifiers: Orphanet 536391, MedGen C5555857, MONDO:0021060.

Submission:

Labcorp Genetics (formerly Invitae), Labcorp
Classification: Uncertain significance for RASopathy. Last evaluated: 2023-05-04. Review status: criteria provided, single submitter. Criteria: Invitae Variant Classification Sherloc (09022015). Collection method: clinical testing. Allele origin: germline.
Comment: This variant is not present in population databases (gnomAD no frequency). In summary, the available evidence is currently insufficient to determine the role of this variant in disease. Therefore, it has been classified as a Variant of Uncertain Significance. Variants that disrupt the consensus splice site are a relatively common cause of aberrant splicing (PMID: 17576681, 9536098). Algorithms developed to predict the effect of sequence changes on RNA splicing suggest that this variant may disrupt the consensus splice site. This variant has not been reported in the literature in individuals affected with BRAF-related conditions. This sequence change falls in intron 15 of the BRAF gene. It does not directly change the encoded amino acid sequence of the BRAF protein. It affects a nucleotide within the consensus splice site.

Literature cited by the submitters: PubMed 17576681; PubMed 9536098.

NM_004333.6(BRAF):c.1860+5G>A

Gene: BRAF (B-Raf proto-oncogene, serine/threonine kinase; minus strand). Cytogenetic location: 7q34.
Variant type: single nucleotide variant.
Coding change: c.1860+5G>A on transcript NM_004333.6 (MANE Select); 5 bases into the intron after coding-DNA position 1860, G replaced by A.
Molecular consequence: intron variant.
Genome position (GRCh38, 1-based): chr7:140,753,270, C>T on the plus strand (G>A on the coding strand, the complement: BRAF is on the minus strand). VCF-style: chr7-140753270-C-T. GRCh37 (hg19) VCF-style: chr7-140453070-C-T.
Other names: c.1860+5G>A (NM_001378474.1, NM_001378468.1, NM_001354609.2); c.1758+5G>A (NM_001378470.1); c.1596+5G>A (NM_001378475.1); c.1749+5G>A (NM_001378471.1); c.1980+5G>A (NM_001374258.1, NM_001374244.1); c.1869+5G>A (NM_001378467.1); c.1704+5G>A (NM_001378472.1, NM_001378473.1); c.1794+5G>A (NM_001378469.1).
Identifiers: ClinVar variation 3002119 (VCV003002119.3), dbSNP rs2535997934, ClinGen allele CA2579043170.
Genomic context (GRCh38, chr7:140,753,270, plus strand): 5'-CTAGTAACTCAGCAGCATCTCAGGGCCAAAAATTTAATCAGTGGAAAAATAGCCTCAATT[C>T]TTACCATCCACAAAATGGATCCAGACAACTGTTCAAACTGATGGGACCCACTCCATCGAG-3'